The following is an entry in ClinVar:

ClinVar aggregate classification (germline): Uncertain significance (1 of 4 stars; one submission).

Conditions:
FGFR2-related craniosynostosis. Identifiers: MedGen CN231480.

Allele frequency attached by ClinVar (database versions not stated): gnomAD exomes 0.00001.
gnomAD v4.1: 4 of 1,611,392 alleles (0.00025%); highest among the groups gnomAD compares: East Asian, 0.0089%; no homozygotes.

Submission:

Labcorp Genetics (formerly Invitae), Labcorp
Classification: Uncertain significance for FGFR2-related craniosynostosis. Last evaluated: 2022-08-09. Review status: criteria provided, single submitter. Criteria: Invitae Variant Classification Sherloc (09022015). Collection method: clinical testing. Allele origin: germline.
Comment: This sequence change replaces isoleucine, which is neutral and non-polar, with valine, which is neutral and non-polar, at codon 563 of the FGFR2 protein (p.Ile563Val). This variant is not present in population databases (gnomAD no frequency). This variant has not been reported in the literature in individuals affected with FGFR2-related conditions. Algorithms developed to predict the effect of missense changes on protein structure and function (SIFT, PolyPhen-2, Align-GVGD) all suggest that this variant is likely to be tolerated. In summary, the available evidence is currently insufficient to determine the role of this variant in disease. Therefore, it has been classified as a Variant of Uncertain Significance.

NM_000141.5(FGFR2):c.1687A>G (p.Ile563Val)

Gene: FGFR2 (fibroblast growth factor receptor 2; minus strand). Cytogenetic location: 10q26.13.
Variant type: single nucleotide variant.
Coding change: c.1687A>G on transcript NM_000141.5 (MANE Select); coding-DNA position 1687, A replaced by G.
Protein change: p.Ile563Val; replaces isoleucine 563 with valine.
Molecular consequence: missense variant. On other transcripts: non-coding transcript variant (1).
Genome position (GRCh38, 1-based): chr10:121,496,708, T>C on the plus strand (A>G on the coding strand, the complement: FGFR2 is on the minus strand). VCF-style: chr10-121496708-T-C. GRCh37 (hg19) VCF-style: chr10-123256222-T-C.
Other names: c.1690A>G, p.Ile564Val (NM_001144913.1, NM_022970.4); c.1351A>G, p.Ile451Val (NM_001144914.1); c.1420A>G, p.Ile474Val (NM_001144915.2, NM_023029.3); c.1342A>G, p.Ile448Val (NM_001144916.2); c.1339A>G, p.Ile447Val (NM_001144917.2); c.1336A>G, p.Ile446Val (NM_001144918.2); c.1423A>G, p.Ile475Val (NM_001144919.2); c.1003A>G, p.Ile335Val (NM_001320654.2); and 1 more; short protein forms I335V, I446V, I447V, I448V, I451V, I474V, I475V, I561V.
Identifiers: ClinVar variation 1713592 (VCV001713592.5), dbSNP rs1846866782, ClinGen allele CA378320655.